The following is an entry in ClinVar:

NM_001035.3(RYR2):c.4795A>C (p.Met1599Leu)

Gene: RYR2 (ryanodine receptor 2; plus strand). Cytogenetic location: 1q43.
Variant type: single nucleotide variant.
Coding change: c.4795A>C on transcript NM_001035.3 (MANE Select); coding-DNA position 4795, A replaced by C.
Protein change: p.Met1599Leu; replaces methionine 1599 with leucine.
Molecular consequence: missense variant.
Genome position (GRCh38, 1-based): chr1:237,610,873, A>C. VCF-style: chr1-237610873-A-C. GRCh37 (hg19) VCF-style: chr1-237774173-A-C.
Other names: short protein forms M1599L.
Identifiers: ClinVar variation 3075274 (VCV003075274.1), dbSNP rs2546767095, ClinGen allele CA345402587.

ClinVar aggregate classification (germline): Uncertain significance (1 of 4 stars; one submission).

Conditions:
Catecholaminergic polymorphic ventricular tachycardia (CVPT). Also called: Catecholamine-induced polymorphic ventricular tachycardia. Identifiers: Orphanet 3286, MedGen C5574922, MONDO:0017990.

Submission:

All of Us Research Program, National Institutes of Health
Classification: Uncertain significance for Catecholaminergic polymorphic ventricular tachycardia. Last evaluated: 2024-01-03. Review status: criteria provided, single submitter. Criteria: ACMG Guidelines, 2015. Collection method: clinical testing. Allele origin: germline. Inheritance: Autosomal dominant inheritance. Observed: 1 variant allele, 1 heterozygote.
Comment: This missense variant replaces methionine with leucine at codon 1599 of the RYR2 protein. Computational prediction suggests that this variant may not impact protein structure and function (internally defined REVEL score threshold <= 0.5, PMID: 27666373). To our knowledge, functional studies have not been reported for this variant. This variant has not been reported in individuals affected with RYR2-related disorders in the literature. This variant has not been identified in the general population by the Genome Aggregation Database (gnomAD). The available evidence is insufficient to determine the role of this variant in disease conclusively. Therefore, this variant is classified as a Variant of Uncertain Significance.

This study involves interpretation of variants in research participants for the purpose of population health screening. Participant phenotype was not available at the time of variant classification. Additional details can be found in publication PMID: 35346344, PMCID: PMC8962531